The following is an entry in ClinVar:

ClinVar aggregate classification (germline): Pathogenic (1 of 4 stars; one submission).

Conditions:
Alagille syndrome due to a JAG1 point mutation. Also called: HEPATIC DUCTULAR HYPOPLASIA, SYNDROMATIC; Alagille Syndrome 1; JAG1-Related Alagille Syndrome. Identifiers: Orphanet 261619, Orphanet 52, MedGen C1956125, MONDO:0016862, OMIM 118450.

Submission:

Labcorp Genetics (formerly Invitae), Labcorp
Classification: Pathogenic for Alagille syndrome due to a JAG1 point mutation. Last evaluated: 2022-01-21. Review status: criteria provided, single submitter. Criteria: Invitae Variant Classification Sherloc (09022015). Collection method: clinical testing. Allele origin: germline.
Comment: This sequence change creates a premature translational stop signal (p.Cys835*) in the JAG1 gene. It is expected to result in an absent or disrupted protein product. Loss-of-function variants in JAG1 are known to be pathogenic (PMID: 11180599). This variant is not present in population databases (gnomAD no frequency). This variant has not been reported in the literature in individuals affected with JAG1-related conditions. For these reasons, this variant has been classified as Pathogenic.

Literature cited by the submitters: PubMed 11180599.

NM_000214.3(JAG1):c.2505T>A (p.Cys835Ter)

Gene: JAG1 (jagged canonical Notch ligand 1; minus strand). Cytogenetic location: 20p12.2.
Variant type: single nucleotide variant.
Coding change: c.2505T>A on transcript NM_000214.3 (MANE Select); coding-DNA position 2505, T replaced by A.
Protein change: p.Cys835Ter; replaces cysteine 835 with a stop codon.
Molecular consequence: nonsense.
Genome position (GRCh38, 1-based): chr20:10,642,555, A>T on the plus strand (T>A on the coding strand, the complement: JAG1 is on the minus strand). VCF-style: chr20-10642555-A-T. GRCh37 (hg19) VCF-style: chr20-10623203-A-T.
Other names: short protein forms C835*.
Identifiers: ClinVar variation 2088912 (VCV002088912.4), dbSNP rs2514510500, ClinGen allele CA408245610.